The following is an entry in ClinVar:

NM_199420.4(POLQ):c.7210A>T (p.Ile2404Phe)

Gene: POLQ (DNA polymerase theta; minus strand). Cytogenetic location: 3q13.33.
Variant type: single nucleotide variant.
Coding change: c.7210A>T on transcript NM_199420.4 (MANE Select); coding-DNA position 7210, A replaced by T.
Protein change: p.Ile2404Phe; replaces isoleucine 2404 with phenylalanine.
Molecular consequence: missense variant.
Genome position (GRCh38, 1-based): chr3:121,449,369, T>A on the plus strand (A>T on the coding strand, the complement: POLQ is on the minus strand). VCF-style: chr3-121449369-T-A. GRCh37 (hg19) VCF-style: chr3-121168216-T-A.
Other names: short protein forms I2404F.
Identifiers: ClinVar variation 1757732 (VCV001757732.3), dbSNP rs907846224, ClinGen allele CA81847563.

ClinVar aggregate classification (germline): Uncertain significance (1 of 4 stars; one submission).

gnomAD v4.1: 8 of 1,608,600 alleles (0.0005%); highest among the groups gnomAD compares: African/African-American, 0.0027%; no homozygotes.

Submission:

Ambry Genetics
Classification: Uncertain significance. Last evaluated: 2024-11-02. Review status: criteria provided, single submitter. Criteria: Ambry Variant Classification Scheme 2023. Collection method: clinical testing. Allele origin: germline.
Comment: The p.I2404F variant (also known as c.7210A>T), located in coding exon 26 of the POLQ gene, results from an A to T substitution at nucleotide position 7210. The isoleucine at codon 2404 is replaced by phenylalanine, an amino acid with highly similar properties. This amino acid position is conserved. In addition, the in silico prediction for this alteration is inconclusive. Since supporting evidence is limited at this time, the clinical significance of this alteration remains unclear.